The following is an entry in ClinVar:

NM_001395159.1(UNC79):c.1093+3A>T

Gene: UNC79 (unc-79 homolog, NALCN channel complex subunit; plus strand). Cytogenetic location: 14q32.12.
Variant type: single nucleotide variant.
Coding change: c.1093+3A>T on transcript NM_001395159.1 (MANE Select); 3 bases into the intron after coding-DNA position 1093, A replaced by T.
Molecular consequence: intron variant.
Genome position (GRCh38, 1-based): chr14:93,529,329, A>T. VCF-style: chr14-93529329-A-T. GRCh37 (hg19) VCF-style: chr14-93995675-A-T.
Other names: c.562+3A>T (NM_020818.5); c.1093+3A>T (NM_001346218.2).
Identifiers: ClinVar variation 3392889 (VCV003392889.1).

ClinVar aggregate classification (germline): Uncertain significance (1 of 4 stars; one submission).

Submission:

GeneDx
Classification: Uncertain significance. Last evaluated: 2024-06-25. Review status: criteria provided, single submitter. Criteria: GeneDx Variant Classification Process June 2021. Collection method: clinical testing. Allele origin: germline. Affected: yes.
Comment: Not observed at significant frequency in large population cohorts (gnomAD); In silico analysis supports a deleterious effect on splicing; Has not been previously published as pathogenic or benign to our knowledge